The following is an entry in ClinVar:

ClinVar aggregate classification (germline): Uncertain significance. Review status: criteria provided, multiple submitters, no conflicts (2 of 4 stars). 3 submissions from 3 submitters: Uncertain significance (3). Last evaluated 2024-06-18.

Allele frequency attached by ClinVar (database versions not stated): gnomAD 0.00001 and 0.00004; TOPMed 0.00002; gnomAD exomes 0.00004; ExAC 0.00005; 1000 Genomes Project 0.00020; 1000 Genomes Project 30x 0.00031.
gnomAD v4.1: 34 of 1,613,404 alleles (0.0021%); highest among the groups gnomAD compares: South Asian, 0.0099%; no homozygotes.

Submissions (3):

GeneDx
Classification: Uncertain significance. Last evaluated: 2024-06-18. Review status: criteria provided, single submitter. Criteria: GeneDx Variant Classification Process June 2021. Collection method: clinical testing. Allele origin: germline. Affected: yes.
Comment: Not observed at significant frequency in large population cohorts (gnomAD); In silico analysis indicates that this missense variant does not alter protein structure/function; Has not been previously published as pathogenic or benign to our knowledge

Labcorp Genetics (formerly Invitae), Labcorp
Classification: Uncertain significance. Last evaluated: 2023-05-11. Review status: criteria provided, single submitter. Criteria: Invitae Variant Classification Sherloc (09022015). Collection method: clinical testing. Allele origin: germline.
Comment: This sequence change replaces arginine, which is basic and polar, with histidine, which is basic and polar, at codon 455 of the LTBP4 protein (p.Arg455His). This variant is present in population databases (rs566716472, gnomAD 0.01%). This variant has not been reported in the literature in individuals affected with LTBP4-related conditions. ClinVar contains an entry for this variant (Variation ID: 1696227). Experimental studies and prediction algorithms are not available or were not evaluated, and the functional significance of this variant is currently unknown. In summary, the available evidence is currently insufficient to determine the role of this variant in disease. Therefore, it has been classified as a Variant of Uncertain Significance.

Women's Health and Genetics/Laboratory Corporation of America, LabCorp
Classification: Uncertain significance. Last evaluated: 2022-05-03. Review status: criteria provided, single submitter. Criteria: LabCorp Variant Classification Summary - May 2015. Collection method: clinical testing. Allele origin: germline.

NM_001042545.2(LTBP4):c.1274G>A (p.Arg425His)

Gene: LTBP4 (latent transforming growth factor beta binding protein 4; plus strand). Cytogenetic location: 19q13.2.
Variant type: single nucleotide variant.
Coding change: c.1274G>A on transcript NM_001042545.2 (MANE Select); coding-DNA position 1274, G replaced by A.
Protein change: p.Arg425His; replaces arginine 425 with histidine.
Molecular consequence: missense variant.
Genome position (GRCh38, 1-based): chr19:40,608,337, G>A. VCF-style: chr19-40608337-G-A. GRCh37 (hg19) VCF-style: chr19-41114243-G-A.
Other names: c.1475G>A, p.Arg492His (NM_001042544.1); c.1364G>A, p.Arg455His (NM_003573.2); short protein forms R425H, R455H, R492H.
Identifiers: ClinVar variation 1696227 (VCV001696227.5), dbSNP rs566716472, ClinGen allele CA9448237.